The following is an entry in ClinVar:

NM_001040108.2(MLH3):c.3280+10T>C

Gene: MLH3 (mutL homolog 3; minus strand). Cytogenetic location: 14q24.3.
Variant type: single nucleotide variant.
Coding change: c.3280+10T>C on transcript NM_001040108.2 (MANE Select); 10 bases into the intron after coding-DNA position 3280, T replaced by C.
Molecular consequence: intron variant.
Genome position (GRCh38, 1-based): chr14:75,046,366, A>G on the plus strand (T>C on the coding strand, the complement: MLH3 is on the minus strand). VCF-style: chr14-75046366-A-G. GRCh37 (hg19) VCF-style: chr14-75513069-A-G.
Other names: c.3280+10T>C (NM_014381.3, NM_001040108.1).
Identifiers: ClinVar variation 1105249 (VCV001105249.11), dbSNP rs755892150, ClinGen allele CA7275561.

ClinVar aggregate classification (germline): Likely benign. Review status: criteria provided, multiple submitters, no conflicts (2 of 4 stars). 3 submissions from 3 submitters: Likely benign (3). Last evaluated 2026-04-28.

Conditions:
Colorectal cancer, hereditary nonpolyposis, type 7. Identifiers: Orphanet 144, MedGen C1858380, MONDO:0013725, OMIM 614385.

Allele frequency attached by ClinVar (database versions not stated): gnomAD exomes below 0.00001 and 0.00001; ExAC 0.00001; TOPMed 0.00003; gnomAD 0.00004.
gnomAD v4.1: 14 of 1,613,578 alleles (0.00087%); highest among the groups gnomAD compares: African/African-American, 0.015%; no homozygotes.

Submissions (3):

Myriad Genetics, Inc.
Classification: Likely benign for Colorectal cancer, hereditary nonpolyposis, type 7. Last evaluated: 2026-04-28. Review status: criteria provided, single submitter. Criteria: Myriad Autosomal Dominant, Autosomal Recessive and X-Linked Classification Criteria (2023). Collection method: clinical testing. Allele origin: unknown.
Comment: This variant is considered likely benign. This variant is intronic and is not expected to impact mRNA splicing.

Labcorp Genetics (formerly Invitae), Labcorp
Classification: Likely benign for Colorectal cancer, hereditary nonpolyposis, type 7. Last evaluated: 2025-11-27. Review status: criteria provided, single submitter. Criteria: Invitae Variant Classification Sherloc (09022015). Collection method: clinical testing. Allele origin: germline.

Department of Pathology and Laboratory Medicine, Sinai Health System
Classification: Likely benign for colorectal cancer, hereditary nonpolyposis, type 7. Last evaluated: 2024-11-11. Review status: criteria provided, single submitter. Criteria: ACMG Guidelines, 2015. Collection method: clinical testing. Allele origin: germline.